The following is an entry in ClinVar:

ClinVar aggregate classification (germline): Uncertain significance (1 of 4 stars; one submission).

Conditions:
Cardiovascular phenotype. Identifiers: MedGen CN230736.

Allele frequency attached by ClinVar (database versions not stated): gnomAD exomes below 0.00001 and 0.00001; ExAC 0.00001; gnomAD 0.00001.
gnomAD v4.1: 3 of 1,569,706 alleles (0.00019%); highest among the groups gnomAD compares: East Asian, 0.0068%; no homozygotes.

Submission:

Ambry Genetics
Classification: Uncertain significance for Cardiovascular phenotype. Last evaluated: 2013-01-30. Review status: criteria provided, single submitter. Criteria: Ambry Autosomal Dominant and X-Linked criteria (10/2015). Collection method: clinical testing. Allele origin: germline. Observed: 1 variant allele.
Comment: There is insufficient or conflicting evidence for classification of this alteration.

NM_001267550.2(TTN):c.65258C>T (p.Thr21753Ile)

Genes: TTN (titin; minus strand), TTN-AS1 (TTN antisense RNA 1; plus strand). Cytogenetic location: 2q31.2.
Variant type: single nucleotide variant.
Coding change: c.65258C>T on transcript NM_001267550.2 (MANE Select); coding-DNA position 65258, C replaced by T.
Protein change: p.Thr21753Ile; replaces threonine 21753 with isoleucine.
Molecular consequence: missense variant.
Genome position (GRCh38, 1-based): chr2:178,584,293, G>A on the plus strand (C>T on the coding strand, the complement: TTN is on the minus strand). VCF-style: chr2-178584293-G-A. GRCh37 (hg19) VCF-style: chr2-179449020-G-A.
Other names: c.60335C>T, p.Thr20112Ile (NM_001256850.1); c.38063C>T, p.Thr12688Ile (NM_003319.4); c.57554C>T, p.Thr19185Ile (NM_133378.4); c.38438C>T, p.Thr12813Ile (NM_133432.3); c.38639C>T, p.Thr12880Ile (NM_133437.4); short protein forms T19185I, T21753I, T12813I, T12880I, T12688I, T20112I.
Identifiers: ClinVar variation 263495 (VCV000263495.3), dbSNP rs748999109, ClinGen allele CA1991751.